The following is an entry in ClinVar:

ClinVar aggregate classification (germline): Likely benign. Review status: criteria provided, multiple submitters, no conflicts (2 of 4 stars). 2 submissions from 2 submitters: Likely benign (2). Last evaluated 2018-06-19.

Allele frequency attached by ClinVar (database versions not stated): gnomAD 0.00293 and 0.00321; ESP Exome Variant Server 0.00312; TOPMed 0.00327; gnomAD exomes 0.00417 and 0.00510; ExAC 0.00426; 1000 Genomes Project 0.00530; 1000 Genomes Project 30x 0.00583.
gnomAD v4.1: 5,665 of 1,159,876 alleles (0.49%); highest among the groups gnomAD compares: South Asian, 1.4%; 12 homozygotes.

Submissions (2):

GeneDx
Classification: Likely benign. Last evaluated: 2018-06-19. Review status: criteria provided, single submitter. Criteria: GeneDx Variant Classification (06012015). Collection method: clinical testing. Allele origin: germline. Affected: yes.
Comment: This variant is considered likely benign or benign based on one or more of the following criteria: it is a conservative change, it occurs at a poorly conserved position in the protein, it is predicted to be benign by multiple in silico algorithms, and/or has population frequency not consistent with disease.

Breakthrough Genomics
Classification: Likely benign. Review status: criteria provided, single submitter. Criteria: ACMG Guidelines, 2015. Collection method: not provided. Allele origin: germline. Inheritance: X-linked inheritance. Affected: yes.

NM_003334.4(UBA1):c.1575+24C>G

Gene: UBA1 (ubiquitin like modifier activating enzyme 1; plus strand). Cytogenetic location: Xp11.3.
Variant type: single nucleotide variant.
Coding change: c.1575+24C>G on transcript NM_003334.4 (MANE Select); 24 bases into the intron after coding-DNA position 1575, C replaced by G.
Molecular consequence: intron variant.
Genome position (GRCh38, 1-based): chrX:47,203,720, C>G. VCF-style: chrX-47203720-C-G. GRCh37 (hg19) VCF-style: chrX-47063119-C-G.
Other names: c.1575+24C>G (NM_153280.3).
Identifiers: ClinVar variation 672841 (VCV000672841.2), dbSNP rs183053605, ClinGen allele CA10395932.